The following is an entry in ClinVar:

NM_002585.4(PBX1):c.1048G>A (p.Val350Met)

Gene: PBX1 (PBX homeobox 1; plus strand). Cytogenetic location: 1q23.3.
Variant type: single nucleotide variant.
Coding change: c.1048G>A on transcript NM_002585.4 (MANE Select); coding-DNA position 1048, G replaced by A.
Protein change: p.Val350Met; replaces valine 350 with methionine.
Molecular consequence: missense variant. On other transcripts: intron variant (2).
Genome position (GRCh38, 1-based): chr1:164,820,122, G>A. VCF-style: chr1-164820122-G-A. GRCh37 (hg19) VCF-style: chr1-164789359-G-A.
Other names: c.1048G>A (NM_002585.3); c.1048G>A, p.Val350Met (NM_001204963.2); c.799G>A, p.Val267Met (NM_001353130.1); c.998-1415G>A (NM_001353131.2, NM_001204961.2); short protein forms V267M, V350M.
Identifiers: ClinVar variation 2919727 (VCV002919727.4), dbSNP rs750360584, ClinGen allele CA1219469.
Genomic context (GRCh38, chr1:164,820,122, plus strand): 5'-TCCTTTCCAGGTTCTTCCAGTTCTTTTAACATGTCAAACTCTGGAGATTTGTTCATGAGC[G>A]TGCAGTCACTCAATGGGGATTCTTACCAAGGGGCCCAGGTTGGAGCCAACGTGCAATCAC-3'
Protein context (NP_002576.1, residues 340-360): MSNSGDLFMS[Val350Met]QSLNGDSYQG

ClinVar aggregate classification (germline): Uncertain significance. Review status: criteria provided, multiple submitters, no conflicts (2 of 4 stars). 3 submissions from 3 submitters: Uncertain significance (3). Last evaluated 2026-08-06.

Conditions:
Congenital anomalies of kidney and urinary tract syndrome with or without hearing loss, abnormal ears, or developmental delay. Also called: Congenital Anomalies of the Kidney and Urinary Tract syndrome with or without Hearing Loss, Abnormal Ears, or Developmental Delay. Identifiers: Orphanet 656130, MedGen C4539968, MONDO:0060549, OMIM 617641.
Inborn genetic diseases. Identifiers: MedGen C0950123, MeSH D030342.

Allele frequency attached by ClinVar (database versions not stated): TOPMed 0.00002; gnomAD 0.00003; gnomAD exomes 0.00004; ExAC 0.00002.
gnomAD v4.1: 54 of 1,613,658 alleles (0.0033%); highest among the groups gnomAD compares: South Asian, 0.0077%; no homozygotes.

Submissions (3):

OLLIN Analises Genomicas, OLLIN
Classification: Uncertain significance for Congenital anomalies of kidney and urinary tract syndrome with or without hearing loss, abnormal ears, or developmental delay. Last evaluated: 2026-08-06. Review status: criteria provided, single submitter. Criteria: ACMG Guidelines 2015 PMID 25741868. Collection method: clinical testing. Allele origin: germline. Inheritance: Autosomal dominant inheritance.
Comment: This missense variant, located in exon 7 (of 9), has been reported in ClinVar (accession VCV002919727.3) and in gnomAD with an allele frequency of 0.0033%. However, to our knowledge, it has not been reported in the scientific literature. In silico analysis is inconclusive regarding the impact of this variant. This gene is constrained for missense variation. According to the currently available evidence, this variant has been classified as uncertain significance (PP2, BS1).

Ambry Genetics
Classification: Uncertain significance for Inborn genetic diseases. Last evaluated: 2025-01-26. Review status: criteria provided, single submitter. Criteria: Ambry Variant Classification Scheme 2023. Collection method: clinical testing. Allele origin: germline.

Labcorp Genetics (formerly Invitae), Labcorp
Classification: Uncertain significance. Last evaluated: 2023-05-24. Review status: criteria provided, single submitter. Criteria: Invitae Variant Classification Sherloc (09022015). Collection method: clinical testing. Allele origin: germline.
Comment: This variant is present in population databases (rs750360584, gnomAD 0.004%). In summary, the available evidence is currently insufficient to determine the role of this variant in disease. Therefore, it has been classified as a Variant of Uncertain Significance. Advanced modeling of protein sequence and biophysical properties (such as structural, functional, and spatial information, amino acid conservation, physicochemical variation, residue mobility, and thermodynamic stability) performed at Invitae indicates that this missense variant is not expected to disrupt PBX1 protein function. This variant has not been reported in the literature in individuals affected with PBX1-related conditions. This sequence change replaces valine, which is neutral and non-polar, with methionine, which is neutral and non-polar, at codon 350 of the PBX1 protein (p.Val350Met).